The following is an entry in ClinVar:

ClinVar aggregate classification (germline): Uncertain significance (1 of 4 stars; one submission).

Conditions:
Pyruvate dehydrogenase E1-alpha deficiency (PDHAD). Also called: ATAXIA, INTERMITTENT, WITH PYRUVATE DEHYDROGENASE DEFICIENCY; ATAXIA WITH LACTIC ACIDOSIS I; ATAXIA, INTERMITTENT, WITH ABNORMAL PYRUVATE METABOLISM; Ataxia, intermittent, with pyruvate dehydrogenase, or decarboxylase, deficiency. Identifiers: Orphanet 79243, MedGen C1839413, MONDO:0010717, OMIM 312170.

Submission:

Neuberg Centre For Genomic Medicine, NCGM
Classification: Uncertain significance for Pyruvate dehydrogenase E1-alpha deficiency. Last evaluated: 2023-05-20. Review status: criteria provided, single submitter. Criteria: ACMG Guidelines, 2015. Collection method: clinical testing. Allele origin: germline. Inheritance: X-linked dominant inheritance. Affected: yes.
Comment: The observed missense variant c.1088A>C (p.Glu363Ala) in PDHA1 gene has not been reported previously as a pathogenic variant nor as a benign variant, to our knowledge. The p.Glu363Ala variant is absent in gnomAD Exomes. This variant has not been submitted to the ClinVar database. Multiple lines of computational evidence (Polyphen - Benign, SIFT - Tolerated and MutationTaster - Disease causing) predicts conflicting evidence on protein structure and function for this variant. The amino acid change p.Glu363Ala in PDHA1 is predicted as conserved by GERP++ and PhyloP across 100 vertebrates. The amino acid Glu at position 363 is changed to a Ala changing protein sequence and it might alter its composition and physico-chemical properties. For these reasons, this variant has been classified as Variant of Uncertain Significance (VUS).

NM_000284.4(PDHA1):c.1088A>C (p.Glu363Ala)

Gene: PDHA1 (pyruvate dehydrogenase E1 subunit alpha 1; plus strand). Cytogenetic location: Xp22.12.
Variant type: single nucleotide variant.
Coding change: c.1088A>C on transcript NM_000284.4 (MANE Select); coding-DNA position 1088, A replaced by C.
Protein change: p.Glu363Ala; replaces glutamic acid 363 with alanine.
Molecular consequence: missense variant.
Genome position (GRCh38, 1-based): chrX:19,359,568, A>C. VCF-style: chrX-19359568-A-C. GRCh37 (hg19) VCF-style: chrX-19377686-A-C.
Other names: c.1202A>C, p.Glu401Ala (NM_001173454.2); c.1109A>C, p.Glu370Ala (NM_001173455.2); c.995A>C, p.Glu332Ala (NM_001173456.2); short protein forms E332A, E363A, E370A, E401A.
Identifiers: ClinVar variation 3341440 (VCV003341440.1).